The following is an entry in ClinVar:

NM_001172509.2(SATB2):c.1818G>A (p.Pro606=)

Genes: SATB2 (SATB homeobox 2; minus strand), LOC126806462 (MED14-independent group 3 enhancer GRCh37_chr2:200136608-200137807; plus strand). Cytogenetic location: 2q33.1.
Variant type: single nucleotide variant.
Coding change: c.1818G>A on transcript NM_001172509.2 (MANE Select); coding-DNA position 1818, G replaced by A.
Protein change: p.Pro606=; no amino-acid change (proline 606 retained).
Molecular consequence: synonymous variant.
Genome position (GRCh38, 1-based): chr2:199,272,595, C>T on the plus strand (G>A on the coding strand, the complement: SATB2 is on the minus strand). VCF-style: chr2-199272595-C-T. GRCh37 (hg19) VCF-style: chr2-200137318-C-T.
Other names: c.1818G>A, p.Pro606= (NM_001172517.1, NM_015265.4).
Identifiers: ClinVar variation 1093075 (VCV001093075.33), dbSNP rs141436870, ClinGen allele CA2045788.

ClinVar aggregate classification (germline): Likely benign. Review status: criteria provided, multiple submitters, no conflicts (2 of 4 stars). 2 submissions from 2 submitters: Likely benign (2). Last evaluated 2025-11-03.

Conditions:
Chromosome 2q32-q33 deletion syndrome (GLASS). Also called: 2q33.1 deletion syndrome; Glass syndrome. Identifiers: Orphanet 251019, MedGen C2676739, MONDO:0012864, OMIM 612313.

gnomAD v4.1: 24 of 1,613,884 alleles (0.0015%); highest among the groups gnomAD compares: South Asian, 0.0055%; no homozygotes.

Submissions (2):

Labcorp Genetics (formerly Invitae), Labcorp
Classification: Likely benign for Chromosome 2q32-q33 deletion syndrome. Last evaluated: 2025-11-03. Review status: criteria provided, single submitter. Criteria: Invitae Variant Classification Sherloc (09022015). Collection method: clinical testing. Allele origin: germline.

CeGaT Center for Human Genetics Tuebingen
Classification: Likely benign. Last evaluated: 2023-08-01. Review status: criteria provided, single submitter. Criteria: CeGaT Center For Human Genetics Tuebingen Variant Classification Criteria Version 2. Collection method: clinical testing. Allele origin: germline. Affected: yes. Observed: 1 variant allele.
Comment: SATB2: BP4, BP7